The following is an entry in ClinVar:

NM_001875.5(CPS1):c.3481-7G>A

Gene: CPS1 (carbamoyl-phosphate synthase 1; plus strand). Cytogenetic location: 2q34.
Variant type: single nucleotide variant.
Coding change: c.3481-7G>A on transcript NM_001875.5 (MANE Select); 7 bases into the intron before coding-DNA position 3481, G replaced by A.
Molecular consequence: intron variant.
Genome position (GRCh38, 1-based): chr2:210,654,018, G>A. VCF-style: chr2-210654018-G-A. GRCh37 (hg19) VCF-style: chr2-211518742-G-A.
Other names: c.3481-7G>A (LRG_336t1, NM_001369257.1, NM_001122633.3); c.3514-7G>A (NM_001369256.1).
Identifiers: ClinVar variation 334031 (VCV000334031.44), dbSNP rs368909569, ClinGen allele CA2086967.
Genomic context (GRCh38, chr2:210,654,018, plus strand): 5'-TGGCTTATTGACACTATATACATAGCGTTAGCTAAATGTTCGGCTCCTCTGTTTTCCTTC[G>A]TGACAGGAGCACCCAGTGGTGCTGACAAAATTTGTTGAAGGGGCCCGAGAAGTAGAAATG-3'

ClinVar aggregate classification (germline): Benign. Review status: criteria provided, multiple submitters, no conflicts (2 of 4 stars). 5 submissions from 5 submitters: Benign (4). 1 of the submissions does not count toward it. Last evaluated 2026-01-28.

Conditions:
Congenital hyperammonemia, type I. Also called: Carbamoyl-phosphate synthase I deficiency; CPS I DEFICIENCY; Carbamoyl phosphate synthetase I deficiency disease; Carbamoyl phosphate synthetase 1 deficiency; Hyperammonemia due to carbamoyl phosphate synthetase 1 deficiency; CPS 1 deficiency. Identifiers: Orphanet 147, MedGen C4082171, MONDO:0009376, OMIM 237300.

Allele frequency attached by ClinVar (database versions not stated): TOPMed 0.00009; 1000 Genomes Project 0.00280; 1000 Genomes Project 30x 0.00281.
gnomAD v4.1: 1,016 of 1,613,192 alleles (0.063%); highest among the groups gnomAD compares: South Asian, 1%; 10 homozygotes.

Submissions (5):

Labcorp Genetics (formerly Invitae), Labcorp
Classification: Benign for Congenital hyperammonemia, type I. Last evaluated: 2026-01-28. Review status: criteria provided, single submitter. Criteria: Invitae Variant Classification Sherloc (09022015). Collection method: clinical testing. Allele origin: germline.

CeGaT Center for Human Genetics Tuebingen
Classification: Benign. Last evaluated: 2023-01-01. Review status: criteria provided, single submitter. Criteria: CeGaT Center For Human Genetics Tuebingen Variant Classification Criteria Version 2. Collection method: clinical testing. Allele origin: germline. Affected: yes. Observed: 1 variant allele.
Comment: CPS1: BP4, BS1, BS2

Illumina Laboratory Services, Illumina
Classification: Benign for Congenital hyperammonemia, type I. Last evaluated: 2018-01-13. Review status: criteria provided, single submitter. Criteria: ICSL Variant Classification Criteria 13 December 2019. Collection method: clinical testing. Allele origin: germline.
Comment: This variant was observed in the ICSL laboratory as part of a predisposition screen in an ostensibly healthy population. It had not been previously curated by ICSL or reported in the Human Gene Mutation Database (HGMD: prior to June 1st, 2018), and was therefore a candidate for classification through an automated scoring system. Utilizing variant allele frequency, disease prevalence and penetrance estimates, and inheritance mode, an automated score was calculated to assess if this variant is too frequent to cause the disease. Based on the score and internal cut-off values, a variant classified as benign is not then subjected to further curation. The score for this variant resulted in a classification of benign for this disease.

GeneDx
Classification: Benign. Last evaluated: 2017-06-20. Review status: criteria provided, single submitter. Criteria: GeneDx Variant Classification (06012015). Collection method: clinical testing. Allele origin: germline. Affected: yes.
Comment: This variant is considered likely benign or benign based on one or more of the following criteria: it is a conservative change, it occurs at a poorly conserved position in the protein, it is predicted to be benign by multiple in silico algorithms, and/or has population frequency not consistent with disease.

Natera, Inc.
Classification: Benign for Carbamoyl-phosphate synthase I deficiency. Last evaluated: 2020-09-16. Review status: no assertion criteria provided. Collection method: clinical testing. Allele origin: germline. Not counted in ClinVar's aggregate classification.